The following is an entry in ClinVar:

NM_182961.4(SYNE1):c.560G>A (p.Trp187Ter)

Gene: SYNE1 (spectrin repeat containing nuclear envelope protein 1; minus strand). Cytogenetic location: 6q25.2.
Variant type: single nucleotide variant.
Coding change: c.560G>A on transcript NM_182961.4 (MANE Select); coding-DNA position 560, G replaced by A.
Protein change: p.Trp187Ter; replaces tryptophan 187 with a stop codon.
Molecular consequence: nonsense.
Genome position (GRCh38, 1-based): chr6:152,510,214, C>T on the plus strand (G>A on the coding strand, the complement: SYNE1 is on the minus strand). VCF-style: chr6-152510214-C-T. GRCh37 (hg19) VCF-style: chr6-152831349-C-T.
Other names: c.581G>A, p.Trp194Ter (NM_033071.5); short protein forms W187*, W194*.
Identifiers: ClinVar variation 1807214 (VCV001807214.1), dbSNP rs1473006141, ClinGen allele CA366150417.

ClinVar aggregate classification (germline): Pathogenic (1 of 4 stars; one submission).

Allele frequency attached by ClinVar (database versions not stated): gnomAD exomes below 0.00001.
gnomAD v4.1: 1 of 1,613,986 alleles (0.000062%); highest among the groups gnomAD compares: Non-Finnish European, 0.000085%; no homozygotes.

Submission:

Athena Diagnostics
Classification: Pathogenic. Last evaluated: 2022-07-29. Review status: criteria provided, single submitter. Criteria: Athena Diagnostics Criteria. Collection method: clinical testing. Allele origin: unknown.
Comment: This variant is expected to result in the loss of a functional protein. This variant has not been reported in large, multi-ethnic general populations. This variant has been identified in at least one individual tested at Athena Diagnostics with clinical features associated with this gene.